The following is an entry in ClinVar:

ClinVar aggregate classification (germline): Uncertain significance (1 of 4 stars; one submission).

Conditions:
Familial melanoma. Also called: Hereditary melanoma; Hereditary cutaneous melanoma. Identifiers: Orphanet 618, MedGen C1512419, MONDO:0018961.

Allele frequency attached by ClinVar (database versions not stated): gnomAD exomes below 0.00001.
gnomAD v4.1: 1 of 1,612,504 alleles (0.000062%); highest among the groups gnomAD compares: Non-Finnish European, 0.000085%; no homozygotes.

Submission:

Labcorp Genetics (formerly Invitae), Labcorp
Classification: Uncertain significance for Familial melanoma. Last evaluated: 2025-03-13. Review status: criteria provided, single submitter. Criteria: Invitae Variant Classification Sherloc (09022015). Collection method: clinical testing. Allele origin: germline.
Comment: This sequence change replaces isoleucine, which is neutral and non-polar, with valine, which is neutral and non-polar, at codon 145 of the CDKN2A (p16INK4a) protein (p.Ile145Val). This variant is not present in population databases (gnomAD no frequency). This variant has not been reported in the literature in individuals affected with CDKN2A (p16INK4a)-related conditions. ClinVar contains an entry for this variant (Variation ID: 645545). An algorithm developed to predict the effect of missense changes on protein structure and function outputs the following: PolyPhen-2: "Benign". The valine amino acid residue is found in multiple mammalian species, which suggests that this missense change does not adversely affect protein function. In summary, the available evidence is currently insufficient to determine the role of this variant in disease. Therefore, it has been classified as a Variant of Uncertain Significance.

NM_000077.5(CDKN2A):c.433A>G (p.Ile145Val)

Gene: CDKN2A (cyclin dependent kinase inhibitor 2A; minus strand). Cytogenetic location: 9p21.3.
Variant type: single nucleotide variant.
Coding change: c.433A>G on transcript NM_000077.5; coding-DNA position 433, A replaced by G.
Protein change: p.Ile145Val; replaces isoleucine 145 with valine.
Molecular consequence: missense variant (on NM_000077.6). On other transcripts: 3 prime UTR variant (2).
Genome position (GRCh38, 1-based): chr9:21,970,926, T>C on the plus strand (A>G on the coding strand, the complement: CDKN2A is on the minus strand). VCF-style: chr9-21970926-T-C. GRCh37 (hg19) VCF-style: chr9-21970925-T-C.
Other names: c.433A>G, p.Ile145Val (NM_000077.6, NM_001195132.2); c.280A>G, p.Ile94Val (NM_001363763.2); c.*77A>G (NM_058195.4); c.*356A>G (NM_058197.5); short protein forms I145V, I94V.
Identifiers: ClinVar variation 645545 (VCV000645545.8), dbSNP rs1587330426, ClinGen allele CA373085852.